The following is an entry in ClinVar:

ClinVar aggregate classification (germline): Uncertain significance (1 of 4 stars; one submission).

Submission:

GeneDx
Classification: Uncertain significance. Last evaluated: 2024-12-21. Review status: criteria provided, single submitter. Criteria: GeneDx Variant Classification Process June 2021. Collection method: clinical testing. Allele origin: germline. Affected: yes.
Comment: Not observed at significant frequency in large population cohorts (gnomAD); In silico analysis supports that this missense variant has a deleterious effect on protein structure/function; Has not been previously published as pathogenic or benign to our knowledge

NM_013275.6(ANKRD11):c.7644G>T (p.Gln2548His)

Gene: ANKRD11 (ankyrin repeat domain containing 11; minus strand). Cytogenetic location: 16q24.3.
Variant type: single nucleotide variant.
Coding change: c.7644G>T on transcript NM_013275.6 (MANE Select); coding-DNA position 7644, G replaced by T.
Protein change: p.Gln2548His; replaces glutamine 2548 with histidine.
Molecular consequence: missense variant.
Genome position (GRCh38, 1-based): chr16:89,274,883, C>A on the plus strand (G>T on the coding strand, the complement: ANKRD11 is on the minus strand). VCF-style: chr16-89274883-C-A. GRCh37 (hg19) VCF-style: chr16-89341291-C-A.
Other names: c.7644G>T, p.Gln2548His (NM_001256182.2, NM_001256183.2); short protein forms Q2548H.
Identifiers: ClinVar variation 3906406 (VCV003906406.1).